The following is an entry in ClinVar:

ClinVar aggregate classification (germline): Uncertain significance. Review status: criteria provided, multiple submitters, no conflicts (2 of 4 stars). 3 submissions from 3 submitters: Uncertain significance (3). Last evaluated 2024-08-06.

Conditions:
Congenital myotonia, autosomal dominant form (THD). Also called: THOMSEN DISEASE; Myotonia congenita autosomal dominant. Identifiers: Orphanet 614, MedGen C2936781, MONDO:0008055, OMIM 160800.
Congenital myotonia, autosomal recessive form. Also called: BECKER DISEASE; myotonia congenita, autosomal recessive; Becker Generalized Myotonia. Identifiers: Orphanet 614, MedGen C0751360, MONDO:0009715, OMIM 255700.

Allele frequency attached by ClinVar (database versions not stated): gnomAD exomes below 0.00001; ExAC 0.00001.
gnomAD v4.1: 2 of 1,608,828 alleles (0.00012%); highest among the groups gnomAD compares: South Asian, 0.0022%; no homozygotes.

Submissions (3):

Labcorp Genetics (formerly Invitae), Labcorp
Classification: Uncertain significance for Congenital myotonia, autosomal recessive form; Congenital myotonia, autosomal dominant form. Last evaluated: 2024-08-06. Review status: criteria provided, single submitter. Criteria: Invitae Variant Classification Sherloc (09022015). Collection method: clinical testing. Allele origin: germline.
Comment: This sequence change replaces threonine, which is neutral and polar, with isoleucine, which is neutral and non-polar, at codon 328 of the CLCN1 protein (p.Thr328Ile). This variant is present in population databases (rs780421370, gnomAD 0.003%). This missense change has been observed in individual(s) with clinical features of myotonia congenita (PMID: 33263785, 34529042). ClinVar contains an entry for this variant (Variation ID: 810202). Advanced modeling of protein sequence and biophysical properties (such as structural, functional, and spatial information, amino acid conservation, physicochemical variation, residue mobility, and thermodynamic stability) performed at Invitae indicates that this missense variant is expected to disrupt CLCN1 protein function with a positive predictive value of 95%. Experimental studies have shown that this missense change affects CLCN1 function (PMID: 34529042). In summary, the available evidence is currently insufficient to determine the role of this variant in disease. Therefore, it has been classified as a Variant of Uncertain Significance.

CeGaT Center for Human Genetics Tuebingen
Classification: Uncertain significance. Last evaluated: 2019-01-01. Review status: criteria provided, single submitter. Criteria: CeGaT Center For Human Genetics Tuebingen Variant Classification Criteria Version 2. Collection method: clinical testing. Allele origin: germline. Affected: yes. Observed: 1 variant allele.

Neuberg Centre For Genomic Medicine, NCGM
Classification: Uncertain significance for Congenital myotonia, autosomal recessive form. Review status: criteria provided, single submitter. Criteria: ACMG Guidelines, 2015. Collection method: clinical testing. Allele origin: germline. Inheritance: Autosomal recessive inheritance. Affected: yes.
Comment: The missense variant c.983C>T (p.Thr328Ile) has been submitted to ClinVar as a Variant of Uncertain Significance, but no details are available for independent assessment. It has not been reported in affected individuals. The p.Thr328Ile variant is reported with the allele frequency (0.0003%) in the gnomAD Exomes and is novel (not in any individuals) in 1000 Genomes. The amino acid Thr at position 328 is changed to a Ile changing protein sequence and it might alter its composition and physico-chemical properties. The variant is predicted to be damaging by both SIFT and PolyPhen2. The residue is conserved across species. The amino acid change p.Thr328Ile in CLCN1 is predicted as conserved by GERP++ and PhyloP across 100 vertebrates. For these reasons, this variant has been classified as Variant of Uncertain Significance (VUS).

Literature cited by the submitters: PubMed 33263785 (cited by Labcorp Genetics (formerly Invitae), Labcorp); PubMed 34529042 (cited by Labcorp Genetics (formerly Invitae), Labcorp).

NM_000083.3(CLCN1):c.983C>T (p.Thr328Ile)

Gene: CLCN1 (chloride voltage-gated channel 1; plus strand). Cytogenetic location: 7q34.
Variant type: single nucleotide variant.
Coding change: c.983C>T on transcript NM_000083.3 (MANE Select); coding-DNA position 983, C replaced by T.
Protein change: p.Thr328Ile; replaces threonine 328 with isoleucine.
Molecular consequence: missense variant. On other transcripts: non-coding transcript variant (1).
Genome position (GRCh38, 1-based): chr7:143,331,235, C>T. VCF-style: chr7-143331235-C-T. GRCh37 (hg19) VCF-style: chr7-143028328-C-T.
Other names: short protein forms T328I.
Identifiers: ClinVar variation 810202 (VCV000810202.44), dbSNP rs780421370, ClinGen allele CA4537201.